The following is an entry in ClinVar:

ClinVar aggregate classification (germline): Benign. Review status: criteria provided, single submitter (1 of 4 stars). 3 submissions from 1 submitter: Benign (3). Last evaluated 2018-01-13.

Conditions:
Meacham syndrome. Also called: Meacham Winn Culler syndrome. Identifiers: Orphanet 3097, MedGen C1837026, MONDO:0012164, OMIM 608978.
Wilms tumor 1 (WT1). Also called: Wilms tumor, somatic. Identifiers: Orphanet 654, MedGen CN033288, MONDO:0008679, OMIM 194070.
Nephrotic syndrome, type 4 (NPHS4). Also called: Familial mesangial sclerosis; Nephrotic syndrome, early onset with diffuse mesangial sclerosis. Identifiers: Orphanet 656, MedGen C3151568, MONDO:0009733, OMIM 256370.

Allele frequency attached by ClinVar (database versions not stated): gnomAD exomes 0.00603; gnomAD 0.02999 and 0.03223; TOPMed 0.03478; 1000 Genomes Project 0.03614; 1000 Genomes Project 30x 0.03998.
gnomAD v4.1: 5,078 of 233,648 alleles (2.2%); highest among the groups gnomAD compares: African/African-American, 10%; 245 homozygotes.

Submissions (3):

Illumina Laboratory Services, Illumina
Classification: Benign for Wilms tumor 1. Last evaluated: 2018-01-13. Review status: criteria provided, single submitter. Criteria: ICSL Variant Classification Criteria 13 December 2019. Collection method: clinical testing. Allele origin: germline.
Comment: This variant was observed in the ICSL laboratory as part of a predisposition screen in an ostensibly healthy population. It had not been previously curated by ICSL or reported in the Human Gene Mutation Database (HGMD: prior to June 1st, 2018), and was therefore a candidate for classification through an automated scoring system. Utilizing variant allele frequency, disease prevalence and penetrance estimates, and inheritance mode, an automated score was calculated to assess if this variant is too frequent to cause the disease. Based on the score and internal cut-off values, a variant classified as benign is not then subjected to further curation. The score for this variant resulted in a classification of benign for this disease.

Illumina Laboratory Services, Illumina
Classification: Benign for Nephrotic syndrome, type 4. Last evaluated: 2018-01-13. Review status: criteria provided, single submitter. Criteria: ICSL Variant Classification Criteria 13 December 2019. Collection method: clinical testing. Allele origin: germline.
Comment: the same text as in the submission from Illumina Laboratory Services, Illumina above.

Illumina Laboratory Services, Illumina
Classification: Benign for Meacham syndrome. Last evaluated: 2018-01-13. Review status: criteria provided, single submitter. Criteria: ICSL Variant Classification Criteria 13 December 2019. Collection method: clinical testing. Allele origin: germline.
Comment: the same text as in the submission from Illumina Laboratory Services, Illumina above.

NM_024426.6(WT1):c.*820G>C

Gene: WT1 (WT1 transcription factor; minus strand). Cytogenetic location: 11p13.
Variant type: single nucleotide variant.
Coding change: c.*820G>C on transcript NM_024426.6 (MANE Select); 820 bases downstream of the stop codon, G replaced by C.
Molecular consequence: 3 prime UTR variant. On other transcripts: non-coding transcript variant (1).
Genome position (GRCh38, 1-based): chr11:32,388,238, C>G on the plus strand (G>C on the coding strand, the complement: WT1 is on the minus strand). VCF-style: chr11-32388238-C-G. GRCh37 (hg19) VCF-style: chr11-32409784-C-G.
Other names: c.*820G>C (NM_000378.6, NM_001198551.2, NM_001198552.2 and 11 more transcripts).
Identifiers: ClinVar variation 304390 (VCV000304390.6), dbSNP rs1042347, ClinGen allele CA10634642.